The following is an entry in ClinVar:

ClinVar aggregate classification (germline): Uncertain significance (1 of 4 stars; one submission).

Conditions:
Hereditary spastic paraplegia 39 (SPG39). Also called: SPASTIC PARAPLEGIA 39, AUTOSOMAL RECESSIVE; Spastic Paraplegia Type 39 (SPG39). Identifiers: Orphanet 139480, MedGen C2677586, MONDO:0012787, OMIM 612020.

Submission:

Labcorp Genetics (formerly Invitae), Labcorp
Classification: Uncertain significance for Hereditary spastic paraplegia 39. Last evaluated: 2022-08-12. Review status: criteria provided, single submitter. Criteria: Invitae Variant Classification Sherloc (09022015). Collection method: clinical testing. Allele origin: germline.
Comment: This sequence change replaces proline, which is neutral and non-polar, with threonine, which is neutral and polar, at codon 1282 of the PNPLA6 protein (p.Pro1282Thr). This variant is not present in population databases (gnomAD no frequency). This variant has not been reported in the literature in individuals affected with PNPLA6-related conditions. Algorithms developed to predict the effect of missense changes on protein structure and function (SIFT, PolyPhen-2, Align-GVGD) all suggest that this variant is likely to be tolerated. In summary, the available evidence is currently insufficient to determine the role of this variant in disease. Therefore, it has been classified as a Variant of Uncertain Significance.

NM_001166114.2(PNPLA6):c.3958C>A (p.Pro1320Thr)

Gene: PNPLA6 (patatin like domain 6, lysophospholipase; plus strand). Cytogenetic location: 19p13.2.
Variant type: single nucleotide variant.
Coding change: c.3958C>A on transcript NM_001166114.2 (MANE Select); coding-DNA position 3958, C replaced by A.
Protein change: p.Pro1320Thr; replaces proline 1320 with threonine.
Molecular consequence: missense variant.
Genome position (GRCh38, 1-based): chr19:7,561,252, C>A. VCF-style: chr19-7561252-C-A. GRCh37 (hg19) VCF-style: chr19-7626138-C-A.
Other names: c.3988C>A, p.Pro1330Thr (NM_001166111.2); c.3763C>A, p.Pro1255Thr (NM_001166112.2); c.3844C>A, p.Pro1282Thr (NM_001166113.1, NM_006702.5); short protein forms P1330T, P1282T, P1255T, P1320T.
Identifiers: ClinVar variation 2080454 (VCV002080454.4), dbSNP rs2512580946, ClinGen allele CA403139329.